The following is an entry in ClinVar:

ClinVar aggregate classification (germline): Uncertain significance. Review status: criteria provided, multiple submitters, no conflicts (2 of 4 stars). 2 submissions from 2 submitters: Uncertain significance (2). Last evaluated 2026-01-25.

Conditions:
Fanconi anemia (FA). Also called: Fanconi's anemia. Identifiers: Orphanet 84, MedGen C0015625, MeSH D005199, MONDO:0019391.
Inborn genetic diseases. Identifiers: MedGen C0950123, MeSH D030342.

gnomAD v4.1: 4 of 1,613,680 alleles (0.00025%); highest among the groups gnomAD compares: Non-Finnish European, 0.00034%; no homozygotes.

Submissions (2):

Ambry Genetics
Classification: Uncertain significance for Inborn genetic diseases. Last evaluated: 2026-01-25. Review status: criteria provided, single submitter. Criteria: Ambry Variant Classification Scheme 2023. Collection method: clinical testing. Allele origin: germline.
Comment: The p.C560R variant (also known as c.1678T>C), located in coding exon 10 of the FANCM gene, results from a T to C substitution at nucleotide position 1678. The cysteine at codon 560 is replaced by arginine, an amino acid with highly dissimilar properties. This amino acid position is conserved. In addition, the in silico prediction for this alteration is inconclusive. Based on the available evidence, the clinical significance of this variant remains unclear.

Labcorp Genetics (formerly Invitae), Labcorp
Classification: Uncertain significance for Fanconi anemia. Last evaluated: 2021-01-07. Review status: criteria provided, single submitter. Criteria: Invitae Variant Classification Sherloc (09022015). Collection method: clinical testing. Allele origin: germline.
Comment: Algorithms developed to predict the effect of missense changes on protein structure and function are either unavailable or do not agree on the potential impact of this missense change (SIFT: "Deleterious"; PolyPhen-2: "Probably Damaging"; Align-GVGD: "Class C0"). In summary, the available evidence is currently insufficient to determine the role of this variant in disease. Therefore, it has been classified as a Variant of Uncertain Significance. This variant is not present in population databases (ExAC no frequency). This sequence change replaces cysteine with arginine at codon 560 of the FANCM protein (p.Cys560Arg). The cysteine residue is highly conserved and there is a large physicochemical difference between cysteine and arginine. This variant has not been reported in the literature in individuals with FANCM-related conditions.

NM_020937.4(FANCM):c.1678T>C (p.Cys560Arg)

Gene: FANCM (FA complementation group M; plus strand). Cytogenetic location: 14q21.2.
Variant type: single nucleotide variant.
Coding change: c.1678T>C on transcript NM_020937.4 (MANE Select); coding-DNA position 1678, T replaced by C.
Protein change: p.Cys560Arg; replaces cysteine 560 with arginine.
Molecular consequence: missense variant.
Genome position (GRCh38, 1-based): chr14:45,164,455, T>C. VCF-style: chr14-45164455-T-C. GRCh37 (hg19) VCF-style: chr14-45633658-T-C.
Other names: c.1600T>C, p.Cys534Arg (NM_001308133.2); c.1678T>C, p.Cys560Arg (NM_001308134.2); c.1678T>C (NM_020937.2); short protein forms C534R, C560R.
Identifiers: ClinVar variation 1423425 (VCV001423425.9), dbSNP rs2139204843, ClinGen allele CA389593816.